The following is an entry in ClinVar:

ClinVar aggregate classification (germline): Pathogenic (1 of 4 stars; one submission).

Conditions:
Combined oxidative phosphorylation defect type 14. Also called: Combined oxidative phosphorylation deficiency 14. Identifiers: Orphanet 319519, MedGen C4755312, MONDO:0013986, OMIM 614946.

Submission:

Labcorp Genetics (formerly Invitae), Labcorp
Classification: Pathogenic for Combined oxidative phosphorylation defect type 14. Last evaluated: 2020-09-03. Review status: criteria provided, single submitter. Criteria: Invitae Variant Classification Sherloc (09022015). Collection method: clinical testing. Allele origin: germline.
Comment: This variant is a gross deletion of the genomic region encompassing exon 2 of the FARS2 gene, which includes the initiator codon. The 5' end of this event is unknown as it extends beyond the assayed region for this gene and therefore may encompass additional genes. The 3' boundary is likely confined to intron 2 of the FARS2 gene. This is expected to result in an absent or disrupted protein product. This variant has been observed in an individual affected with early infantile encephalopathy (PMID: 27549011). Loss-of-function variants in FARS2 are known to be pathogenic (PMID: 22833457). For these reasons, this variant has been classified as Pathogenic.

Literature cited by the submitters: PubMed 27549011; PubMed 22833457.

NC_000006.11:g.(?_5368804)_(5369425_?)del

Gene: FARS2 (phenylalanyl-tRNA synthetase 2, mitochondrial; plus strand). Cytogenetic location: 6p25.1.
Variant type: Deletion.
Identifiers: ClinVar variation 1070492 (VCV001070492.1).